The following is an entry in ClinVar:

ClinVar aggregate classification (germline): Uncertain significance (1 of 4 stars; one submission).

Conditions:
Neutropenia, severe congenital, 1, autosomal dominant. Identifiers: MedGen C1859966, MONDO:0042490, OMIM 202700.
Cyclical neutropenia. Also called: Cyclic Neutropenia; Cyclic hematopoiesis. Identifiers: Orphanet 2686, MedGen C0221023, MONDO:0008090, OMIM 162800, HP:0040289. Disease mechanism: loss of function.

Submission:

Labcorp Genetics (formerly Invitae), Labcorp
Classification: Uncertain significance for Neutropenia, severe congenital, 1, autosomal dominant; Cyclical neutropenia. Last evaluated: 2024-07-08. Review status: criteria provided, single submitter. Criteria: Invitae Variant Classification Sherloc (09022015). Collection method: clinical testing. Allele origin: germline.
Comment: This sequence change replaces glutamine, which is neutral and polar, with arginine, which is basic and polar, at codon 122 of the ELANE protein (p.Gln122Arg). This variant is not present in population databases (gnomAD no frequency). This variant has not been reported in the literature in individuals affected with ELANE-related conditions. An algorithm developed to predict the effect of missense changes on protein structure and function (PolyPhen-2) suggests that this variant is likely to be disruptive. Algorithms developed to predict the effect of sequence changes on RNA splicing suggest that this variant may disrupt the consensus splice site. In summary, the available evidence is currently insufficient to determine the role of this variant in disease. Therefore, it has been classified as a Variant of Uncertain Significance.

NM_001972.4(ELANE):c.365A>G (p.Gln122Arg)

Gene: ELANE (elastase, neutrophil expressed; plus strand). Cytogenetic location: 19p13.3.
Variant type: single nucleotide variant.
Coding change: c.365A>G on transcript NM_001972.4 (MANE Select); coding-DNA position 365, A replaced by G.
Protein change: p.Gln122Arg; replaces glutamine 122 with arginine.
Molecular consequence: missense variant.
Genome position (GRCh38, 1-based): chr19:853,402, A>G. VCF-style: chr19-853402-A-G. GRCh37 (hg19) VCF-style: chr19-853402-A-G.
Other names: short protein forms Q122R.
Identifiers: ClinVar variation 3750724 (VCV003750724.2).